The following is an entry in ClinVar:

NM_001127208.3(TET2):c.5611A>G (p.Ile1871Val)

Genes: TET2 (tet methylcytosine dioxygenase 2; plus strand), TET2-AS1 (TET2 antisense RNA 1; minus strand). Cytogenetic location: 4q24.
Variant type: single nucleotide variant.
Coding change: c.5611A>G on transcript NM_001127208.3 (MANE Select); coding-DNA position 5611, A replaced by G.
Protein change: p.Ile1871Val; replaces isoleucine 1871 with valine.
Molecular consequence: missense variant.
Genome position (GRCh38, 1-based): chr4:105,276,121, A>G. VCF-style: chr4-105276121-A-G. GRCh37 (hg19) VCF-style: chr4-106197278-A-G.
Other names: short protein forms I1871V.
Identifiers: ClinVar variation 3009391 (VCV003009391.5), dbSNP rs1221770910, ClinGen allele CA357795850.

ClinVar aggregate classification (germline): Uncertain significance. Review status: criteria provided, multiple submitters, no conflicts (2 of 4 stars). 2 submissions from 2 submitters: Uncertain significance (2). Last evaluated 2025-10-30.

Allele frequency attached by ClinVar (database versions not stated): TOPMed below 0.00001; gnomAD 0.00001.
gnomAD v4.1: 5 of 1,551,500 alleles (0.00032%); highest among the groups gnomAD compares: South Asian, 0.0012%; no homozygotes.

Submissions (2):

Dasa
Classification: Uncertain significance. Last evaluated: 2025-10-30. Review status: criteria provided, single submitter. Criteria: DASA Assertion Criteria. Collection method: clinical testing. Allele origin: germline.
Comment: NM_001127208.3(TET2):c.5611A>G (p.Ile1871Val) is a missense variant that results in the substitution of isoleucine with valine. This variant is rare in population databases. Computational prediction algorithms are consistent with a benign effect. The currently available literature and clinical evidence are not sufficient to establish a definitive association between this variant and the reported condition. Therefore, this variant is classified as a variant of uncertain significance.

Labcorp Genetics (formerly Invitae), Labcorp
Classification: Uncertain significance. Last evaluated: 2023-01-17. Review status: criteria provided, single submitter. Criteria: Invitae Variant Classification Sherloc (09022015). Collection method: clinical testing. Allele origin: germline.
Comment: In summary, the available evidence is currently insufficient to determine the role of this variant in disease. Therefore, it has been classified as a Variant of Uncertain Significance. Algorithms developed to predict the effect of missense changes on protein structure and function output the following: SIFT: "Tolerated"; PolyPhen-2: "Benign"; Align-GVGD: "Class C0". The valine amino acid residue is found in multiple mammalian species, which suggests that this missense change does not adversely affect protein function. This variant has not been reported in the literature in individuals affected with TET2-related conditions. This variant is present in population databases (no rsID available, gnomAD 0.003%). This sequence change replaces isoleucine, which is neutral and non-polar, with valine, which is neutral and non-polar, at codon 1871 of the TET2 protein (p.Ile1871Val).